The following is an entry in ClinVar:

NM_001875.5(CPS1):c.1550-1G>A

Gene: CPS1 (carbamoyl-phosphate synthase 1; plus strand). Cytogenetic location: 2q34.
Variant type: single nucleotide variant.
Coding change: c.1550-1G>A on transcript NM_001875.5 (MANE Select); the canonical splice acceptor site of the intron before coding-DNA position 1550, G replaced by A.
Molecular consequence: splice acceptor variant.
Genome position (GRCh38, 1-based): chr2:210,600,554, G>A. VCF-style: chr2-210600554-G-A. GRCh37 (hg19) VCF-style: chr2-211465278-G-A.
Other names: c.1550-1G>A (NM_001369257.1, NM_001122633.3); c.1583-1G>A (NM_001369256.1).
Identifiers: ClinVar variation 3717794 (VCV003717794.3).

ClinVar aggregate classification (germline): Likely pathogenic. Review status: criteria provided, multiple submitters, no conflicts (2 of 4 stars). 2 submissions from 2 submitters: Likely pathogenic (2). Last evaluated 2025-10-23.

Conditions:
Congenital hyperammonemia, type I. Also called: CPS I DEFICIENCY; Carbamoyl phosphate synthetase 1 deficiency; Hyperammonemia due to carbamoyl phosphate synthetase 1 deficiency; CPS 1 deficiency; Carbamyl phosphate synthetase (CPS) deficiency; Carbamoyl phosphate synthetase I deficiency disease. Identifiers: Orphanet 147, MedGen C4082171, MONDO:0009376, OMIM 237300.

gnomAD v4.1: 1 of 1,611,874 alleles (0.000062%); highest among the groups gnomAD compares: Non-Finnish European, 0.000085%; no homozygotes.

Submissions (2):

Myriad Genetics, Inc.
Classification: Likely pathogenic for Congenital hyperammonemia, type I. Last evaluated: 2025-10-23. Review status: criteria provided, single submitter. Criteria: Myriad Autosomal Dominant, Autosomal Recessive and X-Linked Classification Criteria (2023). Collection method: clinical testing. Allele origin: unknown.
Comment: NM_001875.4(CPS1):c.1550-1G>A is a variant in a canonical splice site classified as likely pathogenic in the context of carbamoylphosphate synthetase I deficiency. c.1550-1G>A has not been observed in cases with relevant disease. Relevant functional assessments of this variant are not available in the literature. c.1550-1G>A has not been observed in referenced population frequency databases. In summary, NM_001875.4(CPS1):c.1550-1G>A is a variant in a canonical splice site in a gene where loss of function is a known mechanism of disease and is predicted to disrupt protein function. Please note: this variant was assessed in the context of healthy population screening.

Labcorp Genetics (formerly Invitae), Labcorp
Classification: Likely pathogenic for Congenital hyperammonemia, type I. Last evaluated: 2024-09-17. Review status: criteria provided, single submitter. Criteria: Invitae Variant Classification Sherloc (09022015). Collection method: clinical testing. Allele origin: germline.
Comment: This sequence change affects an acceptor splice site in intron 14 of the CPS1 gene. It is expected to disrupt RNA splicing. Variants that disrupt the donor or acceptor splice site typically lead to a loss of protein function (PMID: 16199547), and loss-of-function variants in CPS1 are known to be pathogenic (PMID: 21120950). This variant is not present in population databases (gnomAD no frequency). This variant has not been reported in the literature in individuals affected with CPS1-related conditions. Algorithms developed to predict the effect of sequence changes on RNA splicing suggest that this variant may disrupt the consensus splice site. In summary, the currently available evidence indicates that the variant is pathogenic, but additional data are needed to prove that conclusively. Therefore, this variant has been classified as Likely Pathogenic.

Literature cited by the submitters: PubMed 16199547 (cited by Labcorp Genetics (formerly Invitae), Labcorp); PubMed 21120950 (cited by Labcorp Genetics (formerly Invitae), Labcorp).